The following is an entry in ClinVar:

NM_025114.4(CEP290):c.151C>T (p.Leu51Phe)

Gene: CEP290 (centrosomal protein 290; minus strand). Cytogenetic location: 12q21.32.
Variant type: single nucleotide variant.
Coding change: c.151C>T on transcript NM_025114.4 (MANE Select); coding-DNA position 151, C replaced by T.
Protein change: p.Leu51Phe; replaces leucine 51 with phenylalanine.
Molecular consequence: missense variant.
Genome position (GRCh38, 1-based): chr12:88,140,985, G>A on the plus strand (C>T on the coding strand, the complement: CEP290 is on the minus strand). VCF-style: chr12-88140985-G-A. GRCh37 (hg19) VCF-style: chr12-88534762-G-A.
Other names: short protein forms L51F.
Identifiers: ClinVar variation 530916 (VCV000530916.7), dbSNP rs1264332374, ClinGen allele CA385989834.

ClinVar aggregate classification (germline): Uncertain significance. Review status: criteria provided, multiple submitters, no conflicts (2 of 4 stars). 2 submissions from 2 submitters: Uncertain significance (2). Last evaluated 2022-06-27.

Conditions:
Meckel-Gruber syndrome. Also called: DYSENCEPHALIA SPLANCHNOCYSTICA; GRUBER SYNDROME; Dysencephalia splachnocystica. Identifiers: Orphanet 564, MedGen C0265215, MONDO:0018921.
Joubert syndrome. Also called: CEREBELLOPARENCHYMAL DISORDER IV; JOUBERT-BOLTSHAUSER SYNDROME; Familial aplasia of the vermis. Identifiers: Orphanet 475, MedGen C5979921, MONDO:0018772.
Nephronophthisis. Also called: Juvenile Nephronophthisis. Identifiers: Orphanet 655, MedGen C0687120, MONDO:0019005, HP:0000090.
Senior-Loken syndrome 6 (SLSN6). Identifiers: Orphanet 3156, MedGen C1857779, MONDO:0012433, OMIM 610189.
Bardet-Biedl syndrome 14 (BBS14). Identifiers: Orphanet 110, MedGen C2673874, MONDO:0014442, OMIM 615991.
Leber congenital amaurosis 10 (LCA10). Identifiers: Orphanet 65, MedGen C1857821, MONDO:0012723, OMIM 611755.
Meckel syndrome, type 4 (MKS4). Also called: MECKEL-GRUBER SYNDROME, TYPE 4. Identifiers: Orphanet 564, MedGen C1970161, MONDO:0012626, OMIM 611134.
Joubert syndrome 5 (JBTS5). Identifiers: Orphanet 2318, MedGen C1857780, MONDO:0012432, OMIM 610188.

gnomAD v4.1: 2 of 1,590,808 alleles (0.00013%); highest among the groups gnomAD compares: Admixed American, 0.0018%; no homozygotes.

Submissions (2):

Labcorp Genetics (formerly Invitae), Labcorp
Classification: Uncertain significance for Joubert syndrome; Meckel-Gruber syndrome; Nephronophthisis. Last evaluated: 2022-06-27. Review status: criteria provided, single submitter. Criteria: Invitae Variant Classification Sherloc (09022015). Collection method: clinical testing. Allele origin: germline.
Comment: This sequence change replaces leucine, which is neutral and non-polar, with phenylalanine, which is neutral and non-polar, at codon 51 of the CEP290 protein (p.Leu51Phe). This variant is not present in population databases (gnomAD no frequency). This missense change has been observed in individual(s) with clinical features of Senior-Loken syndrome (Invitae). In at least one individual the data is consistent with being in trans (on the opposite chromosome) from a pathogenic variant. ClinVar contains an entry for this variant (Variation ID: 530916). Algorithms developed to predict the effect of missense changes on protein structure and function are either unavailable or do not agree on the potential impact of this missense change (SIFT: "Tolerated"; PolyPhen-2: "Probably Damaging"; Align-GVGD: "Class C0"). In summary, the available evidence is currently insufficient to determine the role of this variant in disease. Therefore, it has been classified as a Variant of Uncertain Significance.

Fulgent Genetics
Classification: Uncertain significance for Joubert syndrome 5; Senior-Loken syndrome 6; Meckel syndrome, type 4; Leber congenital amaurosis 10; Bardet-Biedl syndrome 14. Last evaluated: 2021-12-01. Review status: criteria provided, single submitter. Criteria: ACMG Guidelines, 2015. Collection method: clinical testing. Allele origin: unknown.